The following is an entry in ClinVar:

ClinVar aggregate classification (germline): Likely benign. Review status: criteria provided, multiple submitters, no conflicts (2 of 4 stars). 2 submissions from 2 submitters: Likely benign (2). Last evaluated 2026-06-01.

Allele frequency attached by ClinVar (database versions not stated): 1000 Genomes Project 30x 0.00031; gnomAD 0.00038; 1000 Genomes Project 0.00040; gnomAD exomes 0.00042 and 0.00078; TOPMed 0.00044; ExAC 0.00049; ESP Exome Variant Server 0.00077.
gnomAD v4.1: 1,201 of 1,613,278 alleles (0.074%); highest among the groups gnomAD compares: Non-Finnish European, 0.095%; 1 homozygote.

Submissions (2):

CeGaT Center for Human Genetics Tuebingen
Classification: Likely benign. Last evaluated: 2026-06-01. Review status: criteria provided, single submitter. Criteria: CeGaT Center For Human Genetics Tuebingen Variant Classification Criteria Version 2. Collection method: clinical testing. Allele origin: germline. Affected: yes. Observed: 6 variant alleles.
Comment: BRF1: BP4, BP7

Labcorp Genetics (formerly Invitae), Labcorp
Classification: Likely benign. Last evaluated: 2019-12-31. Review status: criteria provided, single submitter. Criteria: Invitae Variant Classification Sherloc (09022015). Collection method: clinical testing. Allele origin: germline.

NM_001519.4(BRF1):c.1560C>T (p.Thr520=)

Gene: BRF1 (BRF1 general transcription factor IIIB subunit; minus strand). Cytogenetic location: 14q32.33.
Variant type: single nucleotide variant.
Coding change: c.1560C>T on transcript NM_001519.4 (MANE Select); coding-DNA position 1560, C replaced by T.
Protein change: p.Thr520=; no amino-acid change (threonine 520 retained).
Molecular consequence: synonymous variant.
Genome position (GRCh38, 1-based): chr14:105,217,756, G>A on the plus strand (C>T on the coding strand, the complement: BRF1 is on the minus strand). VCF-style: chr14-105217756-G-A. GRCh37 (hg19) VCF-style: chr14-105684093-G-A.
Other names: c.1281C>T, p.Thr427= (NM_001242786.2); c.1215C>T, p.Thr405= (NM_001242787.2); c.1479C>T, p.Thr493= (NM_001242788.2); c.846C>T, p.Thr282= (NM_001242789.2); c.948C>T, p.Thr316= (NM_145685.3).
Identifiers: ClinVar variation 771001 (VCV000771001.11), dbSNP rs141859464, ClinGen allele CA7387059.